The following is an entry in ClinVar:

ClinVar aggregate classification (germline): Uncertain significance (1 of 4 stars; one submission).

gnomAD v4.1: 2 of 1,614,046 alleles (0.00012%); highest among the groups gnomAD compares: Non-Finnish European, 0.00017%; no homozygotes.

Submission:

GeneDx
Classification: Uncertain significance. Last evaluated: 2025-05-01. Review status: criteria provided, single submitter. Criteria: GeneDx Variant Classification Process June 2021. Collection method: clinical testing. Allele origin: germline. Affected: yes.
Comment: Not observed at significant frequency in large population cohorts (gnomAD); In silico analysis suggests that this missense variant does not alter protein structure/function; Has not been previously published as pathogenic or benign to our knowledge

NM_020458.4(TTC7A):c.1702G>T (p.Ala568Ser)

Gene: TTC7A (tetratricopeptide repeat domain 7A; plus strand). Cytogenetic location: 2p21.
Variant type: single nucleotide variant.
Coding change: c.1702G>T on transcript NM_020458.4 (MANE Select); coding-DNA position 1702, G replaced by T.
Protein change: p.Ala568Ser; replaces alanine 568 with serine.
Molecular consequence: missense variant.
Genome position (GRCh38, 1-based): chr2:47,029,284, G>T. VCF-style: chr2-47029284-G-T. GRCh37 (hg19) VCF-style: chr2-47256423-G-T.
Other names: c.1702G>T, p.Ala568Ser (NM_001288951.2); c.1600G>T, p.Ala534Ser (NM_001288953.2); c.640G>T, p.Ala214Ser (NM_001288955.2); short protein forms A214S, A534S, A568S.
Identifiers: ClinVar variation 4527887 (VCV004527887.1).
Genomic context (GRCh38, chr2:47,029,284, plus strand): 5'-ATCTCCAGTGCCATGGAGCAGCTGCAGGAGGCCCTGAAGGTACGCAAGGATGATGCCCAC[G>T]CCCTCCACCTGCTGGCACTGCTCTTCTCTGCCCAGAAGCACCACCAGCATGCCCTGGATG-3'
Protein context (NP_065191.2, residues 558-578): ALKVRKDDAH[Ala568Ser]LHLLALLFSA